The following is an entry in ClinVar:

NC_000003.12:g.169764547T>C

Gene: TERC (telomerase RNA component; minus strand). Cytogenetic location: 3q26.2.
Variant type: single nucleotide variant.
Genome position: GRCh38 VCF-style: chr3-169764547-T-C. GRCh37 (hg19) VCF-style: chr3-169482335-T-C.
Identifiers: ClinVar variation 440330 (VCV000440330.20), dbSNP rs2293607, ClinGen allele CA11427621.

ClinVar aggregate classification (germline): Benign. Review status: criteria provided, multiple submitters, no conflicts (2 of 4 stars). 5 submissions from 5 submitters: Benign (5). Last evaluated 2026-02-02.

Conditions:
Dyskeratosis congenita, autosomal dominant 1 (DKCA1). Also called: Dyskeratosis congenita Scoggins type. Identifiers: Orphanet 1775, MedGen C4551974, MONDO:0007485, OMIM 127550. Inheritance: Variable.

Allele frequency attached by ClinVar (database versions not stated): TOPMed 0.21441; 1000 Genomes Project 30x 0.25812; 1000 Genomes Project 0.26977; gnomAD exomes 0.27989.

Submissions (5):

Labcorp Genetics (formerly Invitae), Labcorp
Classification: Benign for Dyskeratosis congenita, autosomal dominant 1. Last evaluated: 2026-02-02. Review status: criteria provided, single submitter. Criteria: Invitae Variant Classification Sherloc (09022015). Collection method: clinical testing. Allele origin: germline.

Unidad de Genómica Garrahan, Hospital de Pediatría Garrahan
Classification: Benign. Last evaluated: 2024-01-24. Review status: criteria provided, single submitter. Criteria: ACMG Guidelines, 2015. Collection method: clinical testing. Allele origin: germline. Affected: no. Observed: 55 variant alleles.
Comment: This variant is classified as Benign based on local population frequency. This variant was detected in 58% of patients studied by a panel of primary immunodeficiencies. Number of patients: 55. Only high quality variants are reported.

Blueprint Genetics
Classification: Benign. Last evaluated: 2020-02-03. Review status: criteria provided, single submitter. Criteria: ACMG Guidelines, 2015. Collection method: clinical testing. Allele origin: germline.

ARUP Laboratories, Molecular Genetics and Genomics, ARUP Laboratories
Classification: Benign. Last evaluated: 2016-09-01. Review status: criteria provided, single submitter. Criteria: ARUP Molecular Germline Variant Investigation Process. Collection method: clinical testing. Allele origin: germline.

Breakthrough Genomics
Classification: Benign. Review status: criteria provided, single submitter. Criteria: ACMG Guidelines, 2015. Collection method: not provided. Allele origin: germline. Inheritance: Autosomal dominant inheritance. Affected: yes.